The following is an entry in ClinVar:

ClinVar aggregate classification (germline): Likely benign (0 of 4 stars; one submission).

Conditions:
GNAS-related disorder. Identifiers: MedGen CN380105.

Allele frequency attached by ClinVar (database versions not stated): gnomAD exomes 0.00001; TOPMed 0.00001.
gnomAD v4.1: 8 of 1,545,760 alleles (0.00052%); highest among the groups gnomAD compares: Admixed American, 0.0059%; no homozygotes.

Submission:

PreventionGenetics, part of Exact Sciences
Classification: Likely benign for GNAS-related condition. Last evaluated: 2023-08-03. Review status: no assertion criteria provided. Collection method: clinical testing. Allele origin: germline.
Comment: This variant is classified as likely benign based on ACMG/AMP sequence variant interpretation guidelines (Richards et al. 2015 PMID: 25741868, with internal and published modifications).

NM_080425.4(GNAS):c.6C>T (p.Gly2=)

Gene: GNAS (GNAS complex locus; plus strand). Cytogenetic location: 20q13.32.
Variant type: single nucleotide variant.
Coding change: c.6C>T on transcript NM_080425.4 (MANE Plus Clinical); coding-DNA position 6, C replaced by T.
Protein change: p.Gly2=; no amino-acid change (glycine 2 retained).
Molecular consequence: synonymous variant. On other transcripts: 5 prime UTR variant (2), intron variant (3).
Genome position (GRCh38, 1-based): chr20:58,853,271, C>T. VCF-style: chr20-58853271-C-T. GRCh37 (hg19) VCF-style: chr20-57428326-C-T.
Other names: c.-182C>T (NM_001077490.3, NM_001309883.1); c.6C>T, p.Gly2= (NM_001410913.1); c.*42+12385C>T (NM_016592.5); c.43+12385C>T (NM_001410912.1); c.-39+11396C>T (NM_001309861.2).
Identifiers: ClinVar variation 3032784 (VCV003032784.2), dbSNP rs2086256289, ClinGen allele CA511087349.